The following continues an entry in ClinVar:

NM_000402.4(G6PD):c.961G>A (p.Val321Met)

Gene: G6PD. ClinVar aggregate classification (germline): Pathogenic/Likely pathogenic. Pathogenic (29); Likely pathogenic (3).

Submissions 9 to 20 of 36:

ARUP Laboratories, Molecular Genetics and Genomics, ARUP Laboratories
Classification: Pathogenic. Last evaluated: 2025-07-14. Review status: criteria provided, single submitter. Criteria: ARUP Molecular Germline Variant Investigation Process 2024. Collection method: clinical testing. Allele origin: germline.
Comment: The G6PD c.871G>A; p.Val291Met variant (rs137852327), also known as G6PD Viangchan, is reported in the literature as a Class II pathogenic variant and is associated with a severe decrease in G6PD enzyme activity (Beutler 1994, Hue 2009, Louicharoen 2005, Matsuoka 2005, Nuchprayoon 2008, Nuchprayoon 2002, Peng 2015, Yusoff 2003). Functional analyses of the variant protein also show reduced enzymatic activity and decreased thermal stability (Boonyuen 2016, Gomez-Manzo 2016). This variant is reported in ClinVar (Variation ID: 10386). This variant is found predominantly in the East Asian population with an allele frequency of 0.25% (35/13,844 alleles, including one homozygote and 13 hemizygotes) in the Genome Aggregation Database. The valine at codon 291 is highly conserved, and computational analyses predict that this variant is deleterious (REVEL: 0.94). Based on available information, this variant is considered to be pathogenic. References: Beutler E. G6PD deficiency. Blood. 1994 Dec 1. PMID: 7949118 Boonyuen U et al. Detailed functional analysis of two clinical glucose-6-phosphate dehydrogenase (G6PD) variants, G6PDViangchan and G6PDViangchan+Mahidol: Decreased stability and catalytic efficiency contribute to the clinical phenotype. Mol Genet Metab. 2016 Jun. PMID: 27053284 Gomez-Manzo S et al. Functional and Biochemical Characterization of Three Recombinant Human Glucose-6-Phosphate Dehydrogenase Mutants: Zacatecas, Vanua-Lava and Viangchan. Int J Mol Sci. 2016 May 21. PMID: 27213370 Hue NT et al. Glucose-6-phosphate dehydrogenase (G6PD) mutations and haemoglobinuria syndrome in the Vietnamese population. Malar J. 2009 PMID: 19589177 Louicharoen C et al. G6PD Viangchan (871G>A) is the most common G6PD-deficient variant in the Cambodian population. J Hum Genet. 2005 PMID: 16155737 Matsuoka H et al. Glucose-6-phosphate dehydrogenase (G6PD) mutations in Cambodia: G6PD Viangchan (871G>A) is the most common variant in the Cambodian population. J Hum Genet. 2005 PMID: 16136268 Nuchprayoon I et al. Glucose-6-phosphate dehydrogenase mutations in Mon and Burmese of southern Myanmar. J Hum Genet. 2008 PMID: 18046504 Nuchprayoon I et al. Glucose-6-phosphate dehydrogenase (G6PD) mutations in Thailand: G6PD Viangchan (871G>A) is the most common deficiency variant in the Thai population. Hum Mutat. 2002 Feb. PMID: 11793482 Peng Q et al. Large cohort screening of G6PD deficiency and the mutational spectrum in the Dongguan District in Southern China. PLoS One. 2015 PMID: 25775246 Yusoff NM et al. G6PD Viangchan and G6PD Mediterranean are the main variants in G6PD deficiency in the Malay population of Malaysia. Southeast Asian J Trop Med Public Health. 2003 PMID: 15906717

Revvity Omics, Revvity
Classification: Pathogenic for Anemia, nonspherocytic hemolytic, due to G6PD deficiency. Last evaluated: 2025-05-20. Review status: criteria provided, single submitter. Criteria: ACMG Guidelines, 2015. Collection method: clinical testing. Allele origin: germline.

First Genomix Gene Laboratory, Genetic Diagnostics Department
Classification: Pathogenic for Anemia, nonspherocytic hemolytic, due to G6PD deficiency. Last evaluated: 2025-03-14. Review status: criteria provided, single submitter. Criteria: ACMG Guidelines, 2015. Collection method: clinical testing. Allele origin: germline. Inheritance: X-linked inheritance. Affected: no. Observed: 1 variant allele.

Blueprint Genetics
Classification: Pathogenic for G6PD-related disorders. Last evaluated: 2024-10-23. Review status: criteria provided, single submitter. Criteria: ACMG Guidelines, 2015. Collection method: clinical testing. Allele origin: germline. Affected: yes. Observed: 5 variant alleles.

Victorian Clinical Genetics Services, Murdoch Childrens Research Institute
Classification: Pathogenic for Anemia, nonspherocytic hemolytic, due to G6PD deficiency. Last evaluated: 2024-10-09. Review status: criteria provided, single submitter. Criteria: ACMG Guidelines, 2015. Collection method: clinical testing. Allele origin: germline. Inheritance: X-linked recessive inheritance. Affected: no.
Comment: Based on the classification scheme VCGS_Germline_v1.3.4, this variant is classified as Pathogenic. Following criteria are met: 0102 - Loss of function is a known mechanism of disease in this gene and is associated with G6PD deficient hemolytic anemia (favism) (MIM#300908). (I) 0109 - This gene is associated with X-linked recessive disease. Hemizygous males and homozygous females are commonly affected, however some heterozygous female carriers can also be affected depending on X inactivation. (I) 0200 - Variant is predicted to result in a missense amino acid change from valine to methionine. (I) 0251 - This variant is heterozygous. (I) 0304 - Variant is present in gnomAD (v2) <0.01 for a recessive condition (23 heterozygotes, 1 homozygote, 16 hemizygotes). (SP) 0501 - Missense variant consistently predicted to be damaging by multiple in silico tools or highly conserved with a major amino acid change. (SP) 0604 - Variant is not located in an established domain, motif, hotspot or informative constraint region. (I) 0801 - This variant has strong previous evidence of pathogenicity in unrelated individuals. This variant is reported as a common pathogenic variant in the Asian population, also referred to as G6PD Viangchan or G6PD Jammu (ClinVar, PMID: 11793482, 33051526). (I) Legend: (SP) - Supporting pathogenic, (I) - Information, (SB) - Supporting benign

3billion
Classification: Pathogenic for Anemia, nonspherocytic hemolytic, due to G6PD deficiency. Last evaluated: 2024-06-03. Review status: criteria provided, single submitter. Criteria: ACMG Guidelines, 2015. Collection method: clinical testing. Allele origin: germline. Affected: yes.
Comment: The variant is observed in the gnomAD v4.0.0 dataset (total allele frequency: 0.013%). Predicted Consequence/Location: Missense changes are a common disease-causing mechanism. Functional studies provide strong evidence of the variant having a damaging effect on the gene or gene product (PMID: 23965028). In silico tool predictions suggest damaging effect of the variant on gene or gene product [REVEL: 0.94 (>=0.6, sensitivity 0.68 and specificity 0.92); 3Cnet: 0.85 (>=0.6, sensitivity 0.72 and precision 0.9)]. The same nucleotide change resulting in the same amino acid change has been previously reported as pathogenic/likely pathogenic with strong evidence (ClinVar ID: VCV000010386 /PMID: 1805484). Therefore, this variant is classified as Pathogenic according to the recommendation of ACMG/AMP guideline.

Baylor Genetics
Classification: Pathogenic for Malaria, susceptibility to. Last evaluated: 2024-03-26. Review status: criteria provided, single submitter. Criteria: ACMG Guidelines, 2015. Collection method: clinical testing. Allele origin: unknown.

Women's Health and Genetics/Laboratory Corporation of America, LabCorp
Classification: Pathogenic for G6PD deficiency. Last evaluated: 2024-01-25. Review status: criteria provided, single submitter. Criteria: LabCorp Variant Classification Summary - May 2015. Collection method: clinical testing. Allele origin: germline.
Comment: Variant summary: G6PD c.961G>A (p.Val321Met, also known as G6PD Viangchan) results in a conservative amino acid change located in the Glucose-6-phosphate dehydrogenase, C-terminal (IPR022675) of the encoded protein sequence. Four of five in-silico tools predict a damaging effect of the variant on protein function. The variant allele was found at a frequency of 0.00022 in 182854 control chromosomes, predominantly at a frequency of 0.0025 within the East Asian subpopulation in the gnomAD database, including 1 homozygotes. This frequency is not significantly higher than estimated for a pathogenic variant in G6PD causing Glucose 6 Phosphate Dehydrogenase Deficiency (0.00022 vs 0.29), allowing no conclusion about variant significance. c.961G>A has been reported in the literature in multiple individuals affected with Glucose 6 Phosphate Dehydrogenase Deficiency and has been reported to be a common pathogenic variant in Southeast Asian population (example, Nuchprayoon_2002, Poon_1988). These data indicate that the variant is very likely to be associated with disease. At least one publication reports experimental evidence evaluating an impact on protein function. The most pronounced variant effect results in 40%-50% of catalytic activity of normal G6PD activities in vitro (Boonyuen_2017). The following publications have been ascertained in the context of this evaluation (PMID: 28583873, 11793482, 3338798). ClinVar contains an entry for this variant (Variation ID: 10386). Based on the evidence outlined above, the variant was classified as pathogenic.

Daryl Scott Lab, Baylor College of Medicine
Classification: Pathogenic for Anemia, nonspherocytic hemolytic, due to G6PD deficiency. Last evaluated: 2024-01-01. Review status: criteria provided, single submitter. Criteria: ACMG Guidelines, 2015. Collection method: clinical testing. Allele origin: maternal. Affected: yes. Observed: 1 heterozygote.
Comment: PS3, PS4, PP1, PP4

Department of Pathology and Laboratory Medicine, Sinai Health System
Classification: Pathogenic for Anemia, nonspherocytic hemolytic, due to G6PD deficiency. Last evaluated: 2023-03-14. Review status: criteria provided, single submitter. Criteria: ACMG Guidelines, 2015. Collection method: research. Allele origin: germline.

Dunham Lab, University of Washington
Classification: Pathogenic for Anemia, nonspherocytic hemolytic, due to G6PD deficiency. Last evaluated: 2022-08-12. Review status: criteria provided, single submitter. Criteria: Bayesian ACMG Guidelines, 2018. Collection method: curation. Allele origin: unknown. Affected: yes.
Comment: Variant found in unrelated hemizygotes with deficiency, some with anemia, favism, and jaundice (PS4_M, PP4). Decreased activity in red blood cells (0-29%) (PS3). Predicted to be disease causing by Mutation Taster and probably damaging by PolyPhen (PP3). Below expected carrier frequency in gnomAD (PM2). Reported as pathogenic by multiple clinical testing groups (PP5). Post_P 0.997 (odds of pathogenicity 3155, Prior_P 0.1).

GeneDx
Classification: Pathogenic. Last evaluated: 2022-05-31. Review status: criteria provided, single submitter. Criteria: GeneDx Variant Classification Process June 2021. Collection method: clinical testing. Allele origin: germline. Affected: yes.
Comment: Reported to be a common pathogenic variant in Southeast Asian populations (Nuchprayoon et al., 2002); Published functional studies demonstrate that this variant is associated with lower catalytic constant and catalytic efficiency (Gomez-Manzo et al., 2016); This variant is associated with the following publications: (PMID: 30315739, 26226515, 25775246, 29702993, 30609409, 27053284, 11793482, 29783823, 25536053, 30161219, 3338798, 16136268, 29339739, 11499668, 12850494, 25440321, 23313052, 18329300, 16777444, 1805484, 16155737, 31180159, 34272389, 33072997, 27213370, 31589614, 33083013, 12215013, 27535533)